The following is an entry in ClinVar:

NM_003172.4(SURF1):c.447C>T (p.Gly149=)

Gene: SURF1 (SURF1 cytochrome c oxidase assembly factor; minus strand). Cytogenetic location: 9q34.2.
Variant type: single nucleotide variant.
Coding change: c.447C>T on transcript NM_003172.4 (MANE Select); coding-DNA position 447, C replaced by T.
Protein change: p.Gly149=; no amino-acid change (glycine 149 retained).
Molecular consequence: synonymous variant.
Genome position (GRCh38, 1-based): chr9:133,353,817, G>A on the plus strand (C>T on the coding strand, the complement: SURF1 is on the minus strand). VCF-style: chr9-133353817-G-A. GRCh37 (hg19) VCF-style: chr9-136220672-G-A.
Other names: c.120C>T, p.Gly40= (NM_001280787.1).
Identifiers: ClinVar variation 390428 (VCV000390428.30), dbSNP rs782511878, ClinGen allele CA16605564.

ClinVar aggregate classification (germline): Likely benign. Review status: criteria provided, multiple submitters, no conflicts (2 of 4 stars). 3 submissions from 3 submitters: Likely benign (3). Last evaluated 2026-01-05.

Conditions:
Leigh syndrome (NULS). Also called: LEIGH SYNDROME, NUCLEAR; Leigh Disease; Subacute necrotizing encephalopathy; Necrotizing encephalopathy infantile subacute of Leigh; Leigh Syndrome (mtDNA deletion); Leigh's necrotizing encephalopathy. Identifiers: Orphanet 506, MedGen C2931891, MONDO:0009723, OMIM 256000.

Allele frequency attached by ClinVar (database versions not stated): gnomAD exomes 0.00001 and 0.00002; TOPMed 0.00001; ExAC 0.00002.
gnomAD v4.1: 20 of 1,613,798 alleles (0.0012%); highest among the groups gnomAD compares: South Asian, 0.0044%; no homozygotes.

Submissions (3):

Labcorp Genetics (formerly Invitae), Labcorp
Classification: Likely benign for Leigh syndrome. Last evaluated: 2026-01-05. Review status: criteria provided, single submitter. Criteria: Invitae Variant Classification Sherloc (09022015). Collection method: clinical testing. Allele origin: germline.

CeGaT Center for Human Genetics Tuebingen
Classification: Likely benign. Last evaluated: 2022-10-01. Review status: criteria provided, single submitter. Criteria: CeGaT Center For Human Genetics Tuebingen Variant Classification Criteria Version 2. Collection method: clinical testing. Allele origin: germline. Affected: yes. Observed: 1 variant allele.
Comment: SURF1: BP4, BP7

GeneDx
Classification: Likely benign. Last evaluated: 2016-11-14. Review status: criteria provided, single submitter. Criteria: GeneDx Variant Classification (06012015). Collection method: clinical testing. Allele origin: germline. Affected: yes.
Comment: This variant is considered likely benign or benign based on one or more of the following criteria: it is a conservative change, it occurs at a poorly conserved position in the protein, it is predicted to be benign by multiple in silico algorithms, and/or has population frequency not consistent with disease.